The following is an entry in ClinVar:

ClinVar aggregate classification (germline): Uncertain significance (0 of 4 stars; one submission).

Conditions:
SH2B1-related disorder. Also called: SH2B1-related condition.

gnomAD v4.1: 2 of 1,613,234 alleles (0.00012%); highest among the groups gnomAD compares: African/African-American, 0.0013%; no homozygotes.

Submission:

PreventionGenetics, part of Exact Sciences
Classification: Uncertain significance for SH2B1-related condition. Last evaluated: 2024-07-26. Review status: no assertion criteria provided. Collection method: clinical testing. Allele origin: germline.
Comment: The SH2B1 c.548G>C variant is predicted to result in the amino acid substitution p.Gly183Ala. To our knowledge, this variant has not been reported in the literature. This variant is reported in 0.00089% of alleles in individuals of European (Non-Finnish) descent in gnomAD. At this time, the clinical significance of this variant is uncertain due to the absence of conclusive functional and genetic evidence.

NM_001387430.1(SH2B1):c.548G>C (p.Gly183Ala)

Gene: SH2B1 (SH2B adaptor protein 1; plus strand). Cytogenetic location: 16p11.2.
Variant type: single nucleotide variant.
Coding change: c.548G>C on transcript NM_001387430.1 (MANE Select); coding-DNA position 548, G replaced by C.
Protein change: p.Gly183Ala; replaces glycine 183 with alanine.
Molecular consequence: missense variant. On other transcripts: intron variant (1).
Genome position (GRCh38, 1-based): chr16:28,866,642, G>C. VCF-style: chr16-28866642-G-C. GRCh37 (hg19) VCF-style: chr16-28877963-G-C.
Other names: c.548G>C, p.Gly183Ala (NM_001145795.2, NM_001145796.2, NM_001145797.2 and 4 more transcripts); c.-26-732G>C (NM_001308294.2); short protein forms G183A.
Identifiers: ClinVar variation 3345255 (VCV003345255.1).